The following is an entry in ClinVar:

ClinVar aggregate classification (germline): Conflicting classifications of pathogenicity. Review status: criteria provided, conflicting classifications (1 of 4 stars). 3 submissions from 3 submitters: Uncertain significance (1); Likely benign (2). Last evaluated 2025-10-21.

Conditions:
Primary ciliary dyskinesia. Also called: Ciliary dyskinesia. Identifiers: Orphanet 244, MedGen C0008780, MONDO:0016575, HP:0012265.

Allele frequency attached by ClinVar (database versions not stated): gnomAD 0.00001; ExAC 0.00002; TOPMed 0.00002; 1000 Genomes Project 30x 0.00031; 1000 Genomes Project 0.00040.

Submissions (3):

Ambry Genetics
Classification: Likely benign for Primary ciliary dyskinesia. Last evaluated: 2025-10-21. Review status: criteria provided, single submitter. Criteria: Ambry Variant Classification Scheme 2023. Collection method: clinical testing. Allele origin: germline.

Blueprint Genetics
Classification: Likely benign. Last evaluated: 2024-04-05. Review status: criteria provided, single submitter. Criteria: ACMG Guidelines, 2015. Collection method: clinical testing. Allele origin: germline.

Labcorp Genetics (formerly Invitae), Labcorp
Classification: Uncertain significance for Primary ciliary dyskinesia. Last evaluated: 2022-07-03. Review status: criteria provided, single submitter. Criteria: Invitae Variant Classification Sherloc (09022015). Collection method: clinical testing. Allele origin: germline.
Comment: This sequence change replaces aspartic acid, which is acidic and polar, with glutamic acid, which is acidic and polar, at codon 388 of the DNAAF3 protein (p.Asp388Glu). This variant is present in population databases (rs200938793, gnomAD 0.01%). This variant has not been reported in the literature in individuals affected with DNAAF3-related conditions. ClinVar contains an entry for this variant (Variation ID: 1501543). Algorithms developed to predict the effect of missense changes on protein structure and function output the following: SIFT: "Tolerated"; PolyPhen-2: "Benign"; Align-GVGD: "Class C0". The glutamic acid amino acid residue is found in multiple mammalian species, which suggests that this missense change does not adversely affect protein function. In summary, the available evidence is currently insufficient to determine the role of this variant in disease. Therefore, it has been classified as a Variant of Uncertain Significance.

NM_001256715.2(DNAAF3):c.960C>G (p.Asp320Glu)

Genes: DNAAF3 (dynein axonemal assembly factor 3; minus strand), DNAAF3-AS1 (DNAAF3 antisense RNA 1; plus strand), LOC130065090 (ATAC-STARR-seq lymphoblastoid silent region 11016; plus strand). Cytogenetic location: 19q13.42.
Variant type: single nucleotide variant.
Coding change: c.960C>G on transcript NM_001256715.2 (MANE Select); coding-DNA position 960, C replaced by G.
Protein change: p.Asp320Glu; replaces aspartic acid 320 with glutamic acid.
Molecular consequence: missense variant.
Genome position (GRCh38, 1-based): chr19:55,160,728, G>C on the plus strand (C>G on the coding strand, the complement: DNAAF3 is on the minus strand). VCF-style: chr19-55160728-G-C. GRCh37 (hg19) VCF-style: chr19-55672096-G-C.
Other names: c.1164C>G, p.Asp388Glu (NM_001256714.1); c.798C>G, p.Asp266Glu (NM_001256716.2); c.1101C>G, p.Asp367Glu (NM_178837.4); short protein forms D388E, D320E, D266E, D367E.
Identifiers: ClinVar variation 1501543 (VCV001501543.5), dbSNP rs200938793, ClinGen allele CA9667991.